The following is an entry in ClinVar:

ClinVar aggregate classification (germline): Uncertain significance (1 of 4 stars; one submission).

Allele frequency attached by ClinVar (database versions not stated): ExAC 0.00005; gnomAD exomes 0.00006; TOPMed 0.00006; gnomAD 0.00007.

Submission:

Labcorp Genetics (formerly Invitae), Labcorp
Classification: Uncertain significance. Last evaluated: 2023-09-20. Review status: criteria provided, single submitter. Criteria: Invitae Variant Classification Sherloc (09022015). Collection method: clinical testing. Allele origin: germline.
Comment: In summary, the available evidence is currently insufficient to determine the role of this variant in disease. Therefore, it has been classified as a Variant of Uncertain Significance. Algorithms developed to predict the effect of missense changes on protein structure and function output the following: SIFT: "Not Available"; PolyPhen-2: "Probably Damaging"; Align-GVGD: "Not Available". The cysteine amino acid residue is found in multiple mammalian species, which suggests that this missense change does not adversely affect protein function. This variant has not been reported in the literature in individuals affected with STEAP3-related conditions. This variant is present in population databases (rs200689105, gnomAD 0.009%). This sequence change replaces arginine, which is basic and polar, with cysteine, which is neutral and slightly polar, at codon 326 of the STEAP3 protein (p.Arg326Cys).

NM_182915.3(STEAP3):c.1006C>T (p.Arg336Cys)

Genes: STEAP3 (STEAP3 metalloreductase; plus strand), STEAP3-AS1 (STEAP3 antisense RNA 1; minus strand). Cytogenetic location: 2q14.2.
Variant type: single nucleotide variant.
Coding change: c.1006C>T on transcript NM_182915.3 (MANE Select); coding-DNA position 1006, C replaced by T.
Protein change: p.Arg336Cys; replaces arginine 336 with cysteine.
Molecular consequence: missense variant.
Genome position (GRCh38, 1-based): chr2:119,248,162, C>T. VCF-style: chr2-119248162-C-T. GRCh37 (hg19) VCF-style: chr2-120005738-C-T.
Other names: c.976C>T, p.Arg326Cys (NM_001008410.2, NM_018234.3, NM_138637.3); short protein forms R326C, R336C.
Identifiers: ClinVar variation 2706189 (VCV002706189.3), dbSNP rs200689105, ClinGen allele CA1846765.